The following is an entry in ClinVar:

ClinVar aggregate classification (germline): Uncertain significance (1 of 4 stars; one submission).

Conditions:
Primary ciliary dyskinesia. Also called: Ciliary dyskinesia. Identifiers: Orphanet 244, MedGen C0008780, MONDO:0016575, HP:0012265.

gnomAD v4.1: 2 of 1,612,594 alleles (0.00012%); highest among the groups gnomAD compares: Non-Finnish European, 0.00017%; no homozygotes.

Submission:

Labcorp Genetics (formerly Invitae), Labcorp
Classification: Uncertain significance for Primary ciliary dyskinesia. Last evaluated: 2018-12-12. Review status: criteria provided, single submitter. Criteria: Invitae Variant Classification Sherloc (09022015). Collection method: clinical testing. Allele origin: germline.
Comment: This sequence change affects codon 1459 of the DNAH11 mRNA. It is a 'silent' change, meaning that it does not change the encoded amino acid sequence of the DNAH11 protein. This variant also falls at the last nucleotide of exon 24 of the DNAH11 coding sequence, which is part of the consensus splice site for this exon. This variant is not present in population databases (ExAC no frequency). This variant has not been reported in the literature in individuals with DNAH11-related conditions. Nucleotide substitutions within the consensus splice site are a relatively common cause of aberrant splicing (PMID: 17576681, 9536098). Algorithms developed to predict the effect of sequence changes on RNA splicing suggest that this variant may disrupt the consensus splice site, but this prediction has not been confirmed by published transcriptional studies. In summary, the available evidence is currently insufficient to determine the role of this variant in disease. Therefore, it has been classified as a Variant of Uncertain Significance.

NM_001277115.2(DNAH11):c.4377G>A (p.Lys1459=)

Gene: DNAH11 (dynein axonemal heavy chain 11; plus strand). Cytogenetic location: 7p15.3.
Variant type: single nucleotide variant.
Coding change: c.4377G>A on transcript NM_001277115.2 (MANE Select); coding-DNA position 4377, G replaced by A.
Protein change: p.Lys1459=; no amino-acid change (lysine 1459 retained).
Molecular consequence: synonymous variant.
Genome position (GRCh38, 1-based): chr7:21,619,222, G>A. VCF-style: chr7-21619222-G-A. GRCh37 (hg19) VCF-style: chr7-21658840-G-A.
Identifiers: ClinVar variation 658530 (VCV000658530.1), dbSNP rs1583534756, ClinGen allele CA453964543.
Genomic context (GRCh38, chr7:21,619,222, plus strand): 5'-AGTGGAAGATGATGTCCGAAGGATTGTGGACAAGGCGGTGAAAGAGCTGGGGACTGAGAA[G>A]GTAGTGTCCTCGGGACTGGGTCATTTCTACTTGGCTAATTTTGGGTATTTGCATAGAAGC-3'
Protein context (NP_001264044.1, residues 1449-1469): DKAVKELGTE[Lys1459=]VITEISQTWA